The following is an entry in ClinVar:

NM_138773.4(SLC25A46):c.733G>A (p.Gly245Arg)

Gene: SLC25A46 (solute carrier family 25 member 46; plus strand). Cytogenetic location: 5q22.1.
Variant type: single nucleotide variant.
Coding change: c.733G>A on transcript NM_138773.4 (MANE Select); coding-DNA position 733, G replaced by A.
Protein change: p.Gly245Arg; replaces glycine 245 with arginine.
Molecular consequence: missense variant. On other transcripts: non-coding transcript variant (1), intron variant (1).
Genome position (GRCh38, 1-based): chr5:110,761,258, G>A. VCF-style: chr5-110761258-G-A. GRCh37 (hg19) VCF-style: chr5-110096958-G-A.
Other names: c.733G>A (NM_138773.1); c.460G>A, p.Gly154Arg (NM_001303250.3); c.679-189G>A (NM_001303249.3); short protein forms G245R, G154R.
Identifiers: ClinVar variation 1376548 (VCV001376548.7), dbSNP rs143029135, ClinGen allele CA3364730.

ClinVar aggregate classification (germline): Uncertain significance. Review status: criteria provided, multiple submitters, no conflicts (2 of 4 stars). 3 submissions from 3 submitters: Uncertain significance (3). Last evaluated 2025-07-21.

Conditions:
Inborn genetic diseases. Identifiers: MedGen C0950123, MeSH D030342.
Neuropathy, hereditary motor and sensory, type 6B (HMSN6B). Also called: HMSN VIB; CHARCOT-MARIE-TOOTH DISEASE, TYPE 6B; NEUROPATHY, HEREDITARY MOTOR AND SENSORY, TYPE VIB, WITH OPTIC ATROPHY; Neuropathy, hereditary motor and sensory, type VIB. Identifiers: MedGen C4225302, MONDO:0014671, OMIM 616505.

Allele frequency attached by ClinVar (database versions not stated): gnomAD exomes 0.00001 and 0.00005; ExAC 0.00008; gnomAD 0.00019 and 0.00021; TOPMed 0.00023; ESP Exome Variant Server 0.00062.
gnomAD v4.1: 44 of 1,613,236 alleles (0.0027%); highest among the groups gnomAD compares: African/African-American, 0.059%; no homozygotes.

Submissions (3):

Women's Health and Genetics/Laboratory Corporation of America, LabCorp
Classification: Uncertain significance. Last evaluated: 2025-07-21. Review status: criteria provided, single submitter. Criteria: LabCorp Variant Classification Summary - May 2015. Collection method: clinical testing. Allele origin: germline.
Comment: Variant summary: SLC25A46 c.733G>A (p.Gly245Arg) results in a non-conservative amino acid change in the encoded protein sequence. Algorithms developed to predict the effect of missense changes on protein structure and function are either unavailable or do not agree on the potential impact of this missense change. The variant allele was found at a frequency of 5.2e-05 in 250476 control chromosomes. This frequency is not significantly higher than estimated for a pathogenic variant in SLC25A46 causing hereditary motor and sensory neuropathy, type 6B (5.2e-05 vs 0.0011), allowing no conclusion about variant significance. To our knowledge, no occurrence of c.733G>A in individuals affected with hereditary motor and sensory neuropathy, type 6B and no experimental evidence demonstrating its impact on protein function have been reported. ClinVar contains an entry for this variant (Variation ID: 1376548). Based on the evidence outlined above, the variant was classified as uncertain significance.

Labcorp Genetics (formerly Invitae), Labcorp
Classification: Uncertain significance for Neuropathy, hereditary motor and sensory, type 6B. Last evaluated: 2022-10-13. Review status: criteria provided, single submitter. Criteria: Invitae Variant Classification Sherloc (09022015). Collection method: clinical testing. Allele origin: germline.
Comment: This sequence change replaces glycine, which is neutral and non-polar, with arginine, which is basic and polar, at codon 245 of the SLC25A46 protein (p.Gly245Arg). This variant is present in population databases (rs143029135, gnomAD 0.06%). This variant has not been reported in the literature in individuals affected with SLC25A46-related conditions. ClinVar contains an entry for this variant (Variation ID: 1376548). Advanced modeling of protein sequence and biophysical properties (such as structural, functional, and spatial information, amino acid conservation, physicochemical variation, residue mobility, and thermodynamic stability) performed at Invitae indicates that this missense variant is not expected to disrupt SLC25A46 protein function. Algorithms developed to predict the effect of sequence changes on RNA splicing suggest that this variant may disrupt the consensus splice site. In summary, the available evidence is currently insufficient to determine the role of this variant in disease. Therefore, it has been classified as a Variant of Uncertain Significance.

Ambry Genetics
Classification: Uncertain significance for Inborn genetic diseases. Last evaluated: 2022-10-05. Review status: criteria provided, single submitter. Criteria: Ambry Variant Classification Scheme 2023. Collection method: clinical testing. Allele origin: germline.